The following is an entry in ClinVar:

NM_022765.4(MICAL1):c.3160C>T (p.Arg1054Cys)

Gene: MICAL1 (microtubule associated monooxygenase, calponin and LIM domain containing 1; minus strand). Cytogenetic location: 6q21.
Variant type: single nucleotide variant.
Coding change: c.3160C>T on transcript NM_022765.4 (MANE Select); coding-DNA position 3160, C replaced by T.
Protein change: p.Arg1054Cys; replaces arginine 1054 with cysteine.
Molecular consequence: missense variant.
Genome position (GRCh38, 1-based): chr6:109,444,235, G>A on the plus strand (C>T on the coding strand, the complement: MICAL1 is on the minus strand). VCF-style: chr6-109444235-G-A. GRCh37 (hg19) VCF-style: chr6-109765438-G-A.
Other names: c.2902C>T, p.Arg968Cys (NM_001159291.2); c.3217C>T, p.Arg1073Cys (NM_001286613.2); short protein forms R1054C, R1073C, R968C.
Identifiers: ClinVar variation 2177714 (VCV002177714.3), dbSNP rs764409138, ClinGen allele CA3952632.

ClinVar aggregate classification (germline): Uncertain significance (1 of 4 stars; one submission).

Allele frequency attached by ClinVar (database versions not stated): gnomAD exomes 0.00001; TOPMed 0.00001; gnomAD 0.00002; ExAC 0.00003.
gnomAD v4.1: 25 of 1,613,610 alleles (0.0015%); highest among the groups gnomAD compares: Middle Eastern, 0.033%; no homozygotes.

Submission:

Labcorp Genetics (formerly Invitae), Labcorp
Classification: Uncertain significance. Last evaluated: 2023-02-20. Review status: criteria provided, single submitter. Criteria: Invitae Variant Classification Sherloc (09022015). Collection method: clinical testing. Allele origin: germline.
Comment: In summary, the available evidence is currently insufficient to determine the role of this variant in disease. Therefore, it has been classified as a Variant of Uncertain Significance. Algorithms developed to predict the effect of missense changes on protein structure and function output the following: SIFT: "Not Available"; PolyPhen-2: "Benign"; Align-GVGD: "Not Available". The cysteine amino acid residue is found in multiple mammalian species, which suggests that this missense change does not adversely affect protein function. This variant has not been reported in the literature in individuals affected with MICAL1-related conditions. This variant is present in population databases (rs764409138, gnomAD 0.006%). This sequence change replaces arginine, which is basic and polar, with cysteine, which is neutral and slightly polar, at codon 1073 of the MICAL1 protein (p.Arg1073Cys).